The following is an entry in ClinVar:

ClinVar aggregate classification (germline): Uncertain significance (1 of 4 stars; one submission).

Conditions:
Epilepsy. Also called: Seizure disorder. Identifiers: MedGen C0014544, MeSH D004827, MONDO:0005027.

Submission:

Labcorp Genetics (formerly Invitae), Labcorp
Classification: Uncertain significance for Epilepsy. Last evaluated: 2021-07-07. Review status: criteria provided, single submitter. Criteria: Invitae Variant Classification Sherloc (09022015). Collection method: clinical testing. Allele origin: germline.
Comment: In summary, the available evidence is currently insufficient to determine the role of this variant in disease. Therefore, it has been classified as a Variant of Uncertain Significance. Algorithms developed to predict the effect of missense changes on protein structure and function (SIFT, PolyPhen-2, Align-GVGD) all suggest that this variant is likely to be tolerated. This variant has not been reported in the literature in individuals affected with PIGQ-related conditions. This variant is not present in population databases (ExAC no frequency). This sequence change replaces arginine with proline at codon 112 of the PIGQ protein (p.Arg112Pro). The arginine residue is weakly conserved and there is a moderate physicochemical difference between arginine and proline.

NM_004204.5(PIGQ):c.335G>C (p.Arg112Pro)

Gene: PIGQ (phosphatidylinositol glycan anchor biosynthesis class Q; plus strand). Cytogenetic location: 16p13.3.
Variant type: single nucleotide variant.
Coding change: c.335G>C on transcript NM_004204.5 (MANE Select); coding-DNA position 335, G replaced by C.
Protein change: p.Arg112Pro; replaces arginine 112 with proline.
Molecular consequence: missense variant.
Genome position (GRCh38, 1-based): chr16:574,409, G>C. VCF-style: chr16-574409-G-C. GRCh37 (hg19) VCF-style: chr16-624409-G-C.
Other names: c.335G>C, p.Arg112Pro (NM_148920.4); short protein forms R112P.
Identifiers: ClinVar variation 1392999 (VCV001392999.8), dbSNP rs200272055, ClinGen allele CA394047668.